The following is an entry in ClinVar:

ClinVar aggregate classification (germline): not provided. Review status: no classification provided (0 of 4 stars). 3 submissions from 1 submitter: not provided (3).

Conditions:
Preeclampsia. Identifiers: Orphanet 275555, MedGen C0032914, MONDO:0005081, HP:0100602.
Small for gestational age. Also called: Low birth weight. Identifiers: MedGen C0235991, HP:0001518.
Gestational diabetes mellitus uncontrolled. Identifiers: MedGen C3532257.

Submissions (3):

Institute of Molecular and Cell Biology, University of Tartu
No classification provided. Condition: Small for gestational age. Review status: no classification provided. Collection method: case-control. Allele origin: unknown. Affected: yes. Study: Kasak2014.
Comment: The study aimed to determine the contribution of copy number variants in the genetic etiology of normal and complicated pregnancies. The samples represented (i) maternal blood DNA drawn from healthy pregnant women during 1st or 2nd trimester and (ii) maternal and paternal blood DNA drawn at term pregnancy cases representing normal and complicated gestations (severe preeclampsia, PE; gestational diabetes, GD; small-for-gestational age newborn, SGA; large-for-gestational age newborn, LGA). We performed CNV calling based on genome-wide genotyping dataset (Illumina HumanOmniExpress-24-v1 BeadChip) by applying three algorithms, QuantiSNP, GADA (Genome Alteration Detection Algorithm) and CNstream in parallel. The acquired CNV calls were merged with HD-CNV (Hotspot Detector for Copy Number Variants) program and only the CNVs predicted by at least two programs, were considered in subsequent analysis.

Institute of Molecular and Cell Biology, University of Tartu
No classification provided. Condition: Preeclampsia. Review status: no classification provided. Collection method: case-control. Allele origin: unknown. Affected: yes. Study: Kasak2014.
Comment: the same text as in the submission from Institute of Molecular and Cell Biology, University of Tartu above.

Institute of Molecular and Cell Biology, University of Tartu
No classification provided. Condition: Gestational diabetes mellitus uncontrolled. Review status: no classification provided. Collection method: case-control. Allele origin: unknown. Affected: yes. Study: Kasak2014.
Comment: the same text as in the submission from Institute of Molecular and Cell Biology, University of Tartu above.

Literature cited by the submitters: PubMed 25666259.

Single allele

Variant type: Deletion.
Identifiers: ClinVar variation 157312 (VCV000157312.2).